The following is an entry in ClinVar:

NM_006767.4(LZTR1):c.2297T>A (p.Met766Lys)

Gene: LZTR1 (leucine zipper like post translational regulator 1; plus strand). Cytogenetic location: 22q11.21.
Variant type: single nucleotide variant.
Coding change: c.2297T>A on transcript NM_006767.4 (MANE Select); coding-DNA position 2297, T replaced by A.
Protein change: p.Met766Lys; replaces methionine 766 with lysine.
Molecular consequence: missense variant.
Genome position (GRCh38, 1-based): chr22:20,996,773, T>A. VCF-style: chr22-20996773-T-A. GRCh37 (hg19) VCF-style: chr22-21351062-T-A.
Other names: short protein forms M766K.
Identifiers: ClinVar variation 4874932 (VCV004874932.2).

ClinVar aggregate classification (germline): Uncertain significance (1 of 4 stars; one submission).

Submission:

CeGaT Center for Human Genetics Tuebingen
Classification: Uncertain significance. Last evaluated: 2026-05-01. Review status: criteria provided, single submitter. Criteria: CeGaT Center For Human Genetics Tuebingen Variant Classification Criteria Version 2. Collection method: clinical testing. Allele origin: germline. Affected: yes. Observed: 1 variant allele.
Comment: LZTR1: PM2